The following is an entry in ClinVar:

NM_015330.6(SPECC1L):c.1900C>T (p.Arg634Ter)

Genes: SPECC1L (sperm antigen with calponin homology and coiled-coil domains 1 like; plus strand), SPECC1L-ADORA2A (SPECC1L-ADORA2A readthrough (NMD candidate); plus strand). Cytogenetic location: 22q11.23.
Variant type: single nucleotide variant.
Coding change: c.1900C>T on transcript NM_015330.6 (MANE Select); coding-DNA position 1900, C replaced by T.
Protein change: p.Arg634Ter; replaces arginine 634 with a stop codon.
Molecular consequence: nonsense. On other transcripts: non-coding transcript variant (1).
Genome position (GRCh38, 1-based): chr22:24,322,880, C>T. VCF-style: chr22-24322880-C-T. GRCh37 (hg19) VCF-style: chr22-24718848-C-T.
Other names: c.1900C>T (NM_015330.2); c.1900C>T, p.Arg634Ter (NM_001145468.4, NM_001254732.3); short protein forms R634*.
Identifiers: ClinVar variation 1320299 (VCV001320299.5), dbSNP rs200870836, ClinGen allele CA322649089.
Genomic context (GRCh38, chr22:24,322,880, plus strand): 5'-CTGGACAAAGAAAAAGCAGAGACTTTGGCTAGTAGCTTGCAGGAAGATCTGGCTCATACC[C>T]GAAATGATGCCAATCGATTACAGGATGCCATTGCTAAGGTATTGTTTAAATAGATTAAAA-3'

ClinVar aggregate classification (germline): Conflicting classifications of pathogenicity. Review status: criteria provided, conflicting classifications (1 of 4 stars). 3 submissions from 3 submitters: Likely pathogenic (1); Uncertain significance (2). Last evaluated 2022-05-09.

Conditions:
Inborn genetic diseases. Identifiers: MedGen C0950123, MeSH D030342.
Intellectual disability. Also called: Intellectual functioning disability; intellectual disabilities; Intellectual developmental disorder. Identifiers: MedGen C3714756, MeSH D008607, MONDO:0001071, HP:0001249.

Allele frequency attached by ClinVar (database versions not stated): gnomAD exomes below 0.00001; gnomAD 0.00001; TOPMed 0.00001.

Submissions (3):

Ambry Genetics
Classification: Uncertain significance for Inborn genetic diseases. Last evaluated: 2022-05-09. Review status: criteria provided, single submitter. Criteria: Ambry Variant Classification Scheme 2023. Collection method: clinical testing. Allele origin: germline.
Comment: Loss of function has not been established as a mechanism of disease Based on insufficient or conflicting evidence, the clinical significance of this alteration remains unclear.

Center for Pediatric Genomic Medicine, Children's Mercy Hospital and Clinics
Classification: Likely pathogenic for Intellectual disability. Last evaluated: 2021-10-15. Review status: criteria provided, single submitter. Criteria: ACMG Guidelines, 2015. Collection method: clinical testing. Allele origin: germline. Affected: yes.

Blueprint Genetics
Classification: Uncertain significance. Last evaluated: 2020-07-28. Review status: criteria provided, single submitter. Criteria: ACMG Guidelines, 2015. Collection method: clinical testing. Allele origin: germline.